The following is an entry in ClinVar:

ClinVar aggregate classification (germline): Uncertain significance. Review status: criteria provided, multiple submitters, no conflicts (2 of 4 stars). 2 submissions from 2 submitters: Uncertain significance (2). Last evaluated 2024-11-18.

Conditions:
Autosomal dominant Alport syndrome (ATS3A). Also called: Alport syndrome dominant type; Renal failure and sensorineural hearing loss; ALPORT SYNDROME 3A, AUTOSOMAL DOMINANT. Identifiers: Orphanet 63, Orphanet 88918, MedGen C5882663, MONDO:0007086, OMIM 104200.

gnomAD v4.1: 2 of 1,612,882 alleles (0.00012%); highest among the groups gnomAD compares: Non-Finnish European, 0.00017%; no homozygotes.

Submissions (2):

MVZ Medizinische Genetik Mainz
Classification: Uncertain significance for Autosomal dominant Alport syndrome. Last evaluated: 2024-11-18. Review status: criteria provided, single submitter. Criteria: UK Practice Guidelines For Variant Classification V4 01 2020. Collection method: clinical testing. Allele origin: germline. Inheritance: Autosomal recessive inheritance. Affected: yes. Observed: 1 variant allele.
Comment: ACMG Criteria: PM2_SUP,PM3_SUP,PP4

Blueprint Genetics
Classification: Uncertain significance. Last evaluated: 2024-01-05. Review status: criteria provided, single submitter. Criteria: ACMG Guidelines, 2015. Collection method: clinical testing. Allele origin: germline.

NM_000091.5(COL4A3):c.1927+11T>A

Genes: COL4A3 (collagen type IV alpha 3 chain; plus strand), MFF-DT (MFF divergent transcript; minus strand). Cytogenetic location: 2q36.3.
Variant type: single nucleotide variant.
Coding change: c.1927+11T>A on transcript NM_000091.5 (MANE Select); 11 bases into the intron after coding-DNA position 1927, T replaced by A.
Molecular consequence: intron variant.
Genome position (GRCh38, 1-based): chr2:227,273,128, T>A. VCF-style: chr2-227273128-T-A. GRCh37 (hg19) VCF-style: chr2-228137844-T-A.
Identifiers: ClinVar variation 3392546 (VCV003392546.2).
Genomic context (GRCh38, chr2:227,273,128, plus strand): 5'-CCAGGGCACGCAAGGAGTTCCTGGAGCCCCCGGACCACCCGGAGAAGCCGGTTGGTTAGT[T>A]TTCTTTCCAGTCCTGTTTTCCGATGGAGTGGGTTGATGGTTTCTAGAGCTAACGAAGCTT-3'